The following is an entry in ClinVar:

NM_144999.4(LRRC45):c.475A>G (p.Lys159Glu)

Gene: LRRC45 (leucine rich repeat containing 45; plus strand). Cytogenetic location: 17q25.3.
Variant type: single nucleotide variant.
Coding change: c.475A>G on transcript NM_144999.4 (MANE Select); coding-DNA position 475, A replaced by G.
Protein change: p.Lys159Glu; replaces lysine 159 with glutamic acid.
Molecular consequence: missense variant.
Genome position (GRCh38, 1-based): chr17:82,025,121, A>G. VCF-style: chr17-82025121-A-G. GRCh37 (hg19) VCF-style: chr17-79982997-A-G.
Other names: short protein forms K159E.
Identifiers: ClinVar variation 4991037 (VCV004991037.1).

ClinVar aggregate classification (germline): Uncertain significance (1 of 4 stars; one submission).

Conditions:
LRRC45-related disorder. Also called: LRRC45-related condition.

Submission:

PreventionGenetics, part of Exact Sciences
Classification: Uncertain significance for LRRC45-related condition. Last evaluated: 2026-08-26. Review status: criteria provided, single submitter. Criteria: ACMG Guidelines, 2015. Collection method: clinical testing. Allele origin: germline.
Comment: The LRRC45 c.475A>G variant is predicted to result in the amino acid substitution p.Lys159Glu. To our knowledge, this variant has not been reported in the literature. This variant is reported in 0.0033% of alleles in individuals of South Asian descent in gnomAD. At this time, the clinical significance of this variant is uncertain due to the absence of conclusive functional and genetic evidence.